The following is an entry in ClinVar:

NM_021267.5(CERS1):c.945C>G (p.His315Gln)

Genes: CERS1 (ceramide synthase 1; minus strand), GDF1 (growth differentiation factor 1; minus strand). Cytogenetic location: 19p13.11.
Variant type: single nucleotide variant.
Coding change: c.945C>G on transcript NM_021267.5 (MANE Select); coding-DNA position 945, C replaced by G.
Protein change: p.His315Gln; replaces histidine 315 with glutamine.
Molecular consequence: missense variant. On other transcripts: 5 prime UTR variant (1), intron variant (1).
Genome position (GRCh38, 1-based): chr19:18,878,995, G>C on the plus strand (C>G on the coding strand, the complement: CERS1 is on the minus strand). VCF-style: chr19-18878995-G-C. GRCh37 (hg19) VCF-style: chr19-18989804-G-C.
Other names: c.651C>G, p.His217Gln (NM_001290265.2, NM_001387442.1, NM_001387443.1 and 2 more transcripts); c.945C>G, p.His315Gln (NM_001387439.1, NM_001387440.1, NM_198207.3); c.900C>G, p.His300Gln (NM_001387441.1); c.-378C>G (NM_001492.6); c.-313+5092C>G (NM_001387438.1); short protein forms H315Q, H217Q, H300Q.
Identifiers: ClinVar variation 943499 (VCV000943499.9), dbSNP rs767643146, ClinGen allele CA404865267.
Genomic context (GRCh38, chr19:18,878,995, plus strand): 5'-TTTGCTGGGCTTCAGGCTCTGGGCCTCGGCTGTGTCATACTCCCGCAGGTCCTTCAGCTC[G>C]TGCACCTGGCCTGTCAACACCTTGGCTGCAAACGCCACGATGTACTGCGAGAGGGGAGGG-3'
Protein context (NP_067090.1, residues 305-325): FAAKVLTGQV[His315Gln]ELKDLREYDT

ClinVar aggregate classification (germline): Uncertain significance (1 of 4 stars; one submission).

Conditions:
Progressive myoclonic epilepsy type 8. Identifiers: Orphanet 424027, MedGen C5190825, MONDO:0014545, OMIM 616230.

Allele frequency attached by ClinVar (database versions not stated): TOPMed below 0.00001.
gnomAD v4.1: 7 of 1,613,640 alleles (0.00043%); highest among the groups gnomAD compares: East Asian, 0.016%; no homozygotes.

Submission:

Labcorp Genetics (formerly Invitae), Labcorp
Classification: Uncertain significance for Progressive myoclonic epilepsy type 8. Last evaluated: 2019-05-18. Review status: criteria provided, single submitter. Criteria: Invitae Variant Classification Sherloc (09022015). Collection method: clinical testing. Allele origin: germline.
Comment: This variant has not been reported in the literature in individuals with CERS1-related conditions. This sequence change replaces histidine with glutamine at codon 315 of the CERS1 protein (p.His315Gln). The histidine residue is weakly conserved and there is a small physicochemical difference between histidine and glutamine. This variant is not present in population databases (ExAC no frequency). Algorithms developed to predict the effect of missense changes on protein structure and function output the following: SIFT: "Tolerated"; PolyPhen-2: "Benign"; Align-GVGD: "Class C0". The glutamine amino acid residue is found in multiple mammalian species, suggesting that this missense change does not adversely affect protein function. These predictions have not been confirmed by published functional studies and their clinical significance is uncertain. In summary, the available evidence is currently insufficient to determine the role of this variant in disease. Therefore, it has been classified as a Variant of Uncertain Significance.